The following is an entry in ClinVar:

NM_144596.4(TTC8):c.1262G>C (p.Arg421Thr)

Gene: TTC8 (tetratricopeptide repeat domain 8; plus strand). Cytogenetic location: 14q31.3.
Variant type: single nucleotide variant.
Coding change: c.1262G>C on transcript NM_144596.4 (MANE Select); coding-DNA position 1262, G replaced by C.
Protein change: p.Arg421Thr; replaces arginine 421 with threonine.
Molecular consequence: missense variant. On other transcripts: non-coding transcript variant (1).
Genome position (GRCh38, 1-based): chr14:88,872,367, G>C. VCF-style: chr14-88872367-G-C. GRCh37 (hg19) VCF-style: chr14-89338711-G-C.
Other names: c.1310G>C, p.Arg437Thr (NM_001288781.1); c.668G>C, p.Arg223Thr (NM_001288782.1); c.545G>C, p.Arg182Thr (NM_001288783.1); c.1232G>C, p.Arg411Thr (NM_001366535.2, NM_198309.3); c.1142G>C, p.Arg381Thr (NM_001366536.2, NM_198310.3); c.1262G>C (NM_144596.3); c.1232G>C (NM_198309.2); short protein forms R411T, R437T, R381T, R182T, R421T, R223T.
Identifiers: ClinVar variation 844875 (VCV000844875.12), dbSNP rs374742528, ClinGen allele CA7302698.

ClinVar aggregate classification (germline): Uncertain significance. Review status: criteria provided, multiple submitters, no conflicts (2 of 4 stars). 6 submissions from 6 submitters: Uncertain significance (5). 1 of the submissions does not count toward it. Last evaluated 2025-03-11.

Conditions:
Inborn genetic diseases. Identifiers: MedGen C0950123, MeSH D030342.
Bardet-Biedl syndrome 8 (BBS8). Identifiers: Orphanet 110, MedGen C1859566, MONDO:0014436, OMIM 615985.
Retinitis pigmentosa 51 (RP51). Identifiers: Orphanet 791, MedGen C3150715, MONDO:0013274, OMIM 613464.
TTC8-related disorder. Also called: TTC8-related condition.
Bardet-Biedl syndrome (BBS). Identifiers: Orphanet 110, MedGen C0752166, MONDO:0015229.

Allele frequency attached by ClinVar (database versions not stated): ExAC 0.00004; gnomAD exomes 0.00004; ESP Exome Variant Server 0.00015; gnomAD 0.00020 and 0.00021; TOPMed 0.00023; 1000 Genomes Project 0.00040; 1000 Genomes Project 30x 0.00047.
gnomAD v4.1: 58 of 1,613,930 alleles (0.0036%); highest among the groups gnomAD compares: African/African-American, 0.068%; no homozygotes.

Submissions (6):

GeneDx
Classification: Uncertain significance. Last evaluated: 2025-03-11. Review status: criteria provided, single submitter. Criteria: GeneDx Variant Classification Process June 2021. Collection method: clinical testing. Allele origin: germline. Affected: yes.
Comment: In silico analysis supports that this missense variant has a deleterious effect on protein structure/function; Has not been previously published as pathogenic or benign to our knowledge

Fulgent Genetics
Classification: Uncertain significance for Retinitis pigmentosa 51; Bardet-Biedl syndrome 8. Last evaluated: 2024-05-30. Review status: criteria provided, single submitter. Criteria: ACMG Guidelines, 2015. Collection method: clinical testing. Allele origin: germline.

Blueprint Genetics
Classification: Uncertain significance. Last evaluated: 2023-09-21. Review status: criteria provided, single submitter. Criteria: ACMG Guidelines, 2015. Collection method: clinical testing. Allele origin: germline.

Labcorp Genetics (formerly Invitae), Labcorp
Classification: Uncertain significance for Bardet-Biedl syndrome. Last evaluated: 2022-09-27. Review status: criteria provided, single submitter. Criteria: Invitae Variant Classification Sherloc (09022015). Collection method: clinical testing. Allele origin: germline.
Comment: This sequence change replaces arginine, which is basic and polar, with threonine, which is neutral and polar, at codon 411 of the TTC8 protein (p.Arg411Thr). This variant is present in population databases (rs374742528, gnomAD 0.05%). This variant has not been reported in the literature in individuals affected with TTC8-related conditions. ClinVar contains an entry for this variant (Variation ID: 844875). Advanced modeling of protein sequence and biophysical properties (such as structural, functional, and spatial information, amino acid conservation, physicochemical variation, residue mobility, and thermodynamic stability) performed at Invitae indicates that this missense variant is not expected to disrupt TTC8 protein function. In summary, the available evidence is currently insufficient to determine the role of this variant in disease. Therefore, it has been classified as a Variant of Uncertain Significance.

Ambry Genetics
Classification: Uncertain significance for Inborn genetic diseases. Last evaluated: 2021-01-28. Review status: criteria provided, single submitter. Criteria: Ambry Variant Classification Scheme 2023. Collection method: clinical testing. Allele origin: germline.
Comment: The c.1232G>C (p.R411T) alteration is located in exon 12 (coding exon 12) of the TTC8 gene. This alteration results from a G to C substitution at nucleotide position 1232, causing the arginine (R) at amino acid position 411 to be replaced by a threonine (T). The p.R411T alteration is predicted to be tolerated by in silico analysis. Based on insufficient or conflicting evidence, the clinical significance of this alteration remains unclear.

PreventionGenetics, part of Exact Sciences
Classification: Uncertain significance for TTC8-related condition. Last evaluated: 2024-08-27. Review status: no assertion criteria provided. Collection method: clinical testing. Allele origin: germline. Not counted in ClinVar's aggregate classification.
Comment: The TTC8 c.1262G>C variant is predicted to result in the amino acid substitution p.Arg421Thr. To our knowledge, this variant has not been reported in the literature. This variant is reported in 0.048% of alleles in individuals of African descent in gnomAD. At this time, the clinical significance of this variant is uncertain due to the absence of conclusive functional and genetic evidence.